The following is an entry in ClinVar:

NM_022356.4(P3H1):c.142C>T (p.Arg48Cys)

Gene: P3H1 (prolyl 3-hydroxylase 1; minus strand). Cytogenetic location: 1p34.2.
Variant type: single nucleotide variant.
Coding change: c.142C>T on transcript NM_022356.4 (MANE Select); coding-DNA position 142, C replaced by T.
Protein change: p.Arg48Cys; replaces arginine 48 with cysteine.
Molecular consequence: missense variant.
Genome position (GRCh38, 1-based): chr1:42,766,830, G>A on the plus strand (C>T on the coding strand, the complement: P3H1 is on the minus strand). VCF-style: chr1-42766830-G-A. GRCh37 (hg19) VCF-style: chr1-43232501-G-A.
Other names: c.142C>T, p.Arg48Cys (NM_001146289.2, NM_001243246.2); short protein forms R48C.
Identifiers: ClinVar variation 4847588 (VCV004847588.1).

ClinVar aggregate classification (germline): Uncertain significance (1 of 4 stars; one submission).

gnomAD v4.1: 2 of 1,604,522 alleles (0.00012%); highest among the groups gnomAD compares: Non-Finnish European, 0.00017%; no homozygotes.

Submission:

Women's Health and Genetics/Laboratory Corporation of America, LabCorp
Classification: Uncertain significance. Last evaluated: 2026-03-02. Review status: criteria provided, single submitter. Criteria: LabCorp Variant Classification Summary - May 2015. Collection method: clinical testing. Allele origin: germline.
Comment: Variant summary: P3H1 c.142C>T (p.Arg48Cys) results in a non-conservative amino acid change in the encoded protein sequence. Algorithms developed to predict the effect of missense changes on protein structure and function are either unavailable or do not agree on the potential impact of this missense change. The variant allele was found at a frequency of 4.3e-06 in 230440 control chromosomes. The available data on variant occurrences in the general population are insufficient to allow any conclusion about variant significance. To our knowledge, no occurrence of c.142C>T in individuals affected with P3H1-related conditions and no experimental evidence demonstrating its impact on protein function have been reported. No submitters have cited clinical-significance assessments for this variant to ClinVar. Based on the evidence outlined above, the variant was classified as uncertain significance.